The following is an entry in ClinVar:

ClinVar aggregate classification (germline): Uncertain significance (1 of 4 stars; one submission).

Conditions:
Usher syndrome type 2C. Also called: Usher syndrome, type 2B; USHER SYNDROME, TYPE IIC. Identifiers: Orphanet 231178, Orphanet 886, MedGen C2931213, MONDO:0011558, OMIM 605472.

Allele frequency attached by ClinVar (database versions not stated): gnomAD 0.00001; gnomAD exomes 0.00001 and 0.00002; TOPMed 0.00002.
gnomAD v4.1: 23 of 1,612,622 alleles (0.0014%); highest among the groups gnomAD compares: South Asian, 0.0022%; no homozygotes.

Submission:

Illumina Laboratory Services, Illumina
Classification: Uncertain significance for Usher syndrome type 2C. Last evaluated: 2017-04-27. Review status: criteria provided, single submitter. Criteria: ICSL Variant Classification Criteria 13 December 2019. Collection method: clinical testing. Allele origin: germline.
Comment: This variant was observed as part of a predisposition screen in an ostensibly healthy population. A literature search was performed for the gene, cDNA change, and amino acid change (where applicable). Publications were found based on this search. However, the evidence from the literature, in combination with allele frequency data from public databases where available, was not sufficient to rule this variant in or out of causing disease. Therefore, this variant is classified as a variant of unknown significance.

Literature cited by the submitters: PubMed 21946352.

NM_032119.4(ADGRV1):c.12425G>A (p.Arg4142Gln)

Gene: ADGRV1 (adhesion G protein-coupled receptor V1; plus strand). Cytogenetic location: 5q14.3.
Variant type: single nucleotide variant.
Coding change: c.12425G>A on transcript NM_032119.4 (MANE Select); coding-DNA position 12425, G replaced by A.
Protein change: p.Arg4142Gln; replaces arginine 4142 with glutamine.
Molecular consequence: missense variant. On other transcripts: non-coding transcript variant (1).
Genome position (GRCh38, 1-based): chr5:90,776,474, G>A. VCF-style: chr5-90776474-G-A. GRCh37 (hg19) VCF-style: chr5-90072291-G-A.
Other names: short protein forms R4142Q.
Identifiers: ClinVar variation 906509 (VCV000906509.4), dbSNP rs1047782967, ClinGen allele CA122803511.